The following is an entry in ClinVar:

ClinVar aggregate classification (germline): Uncertain significance (1 of 4 stars; one submission).

Allele frequency attached by ClinVar (database versions not stated): gnomAD exomes 0.00002 and 0.00003; ExAC 0.00004; gnomAD 0.00006; TOPMed 0.00006; ESP Exome Variant Server 0.00016; 1000 Genomes Project 0.00040; 1000 Genomes Project 30x 0.00047.
gnomAD v4.1: 54 of 1,613,828 alleles (0.0033%); highest among the groups gnomAD compares: African/African-American, 0.023%; no homozygotes.

Submission:

Labcorp Genetics (formerly Invitae), Labcorp
Classification: Uncertain significance. Last evaluated: 2022-08-09. Review status: criteria provided, single submitter. Criteria: Invitae Variant Classification Sherloc (09022015). Collection method: clinical testing. Allele origin: germline.
Comment: This sequence change replaces threonine, which is neutral and polar, with alanine, which is neutral and non-polar, at codon 3332 of the PCLO protein (p.Thr3332Ala). This variant is present in population databases (rs367798601, gnomAD 0.01%). This variant has not been reported in the literature in individuals affected with PCLO-related conditions. ClinVar contains an entry for this variant (Variation ID: 1385611). Algorithms developed to predict the effect of missense changes on protein structure and function output the following: SIFT: "Tolerated"; PolyPhen-2: "Not Available"; Align-GVGD: "Class C0". The alanine amino acid residue is found in multiple mammalian species, which suggests that this missense change does not adversely affect protein function. In summary, the available evidence is currently insufficient to determine the role of this variant in disease. Therefore, it has been classified as a Variant of Uncertain Significance.

NM_033026.6(PCLO):c.9994A>G (p.Thr3332Ala)

Gene: PCLO (piccolo presynaptic cytomatrix protein; minus strand). Cytogenetic location: 7q21.11.
Variant type: single nucleotide variant.
Coding change: c.9994A>G on transcript NM_033026.6 (MANE Select); coding-DNA position 9994, A replaced by G.
Protein change: p.Thr3332Ala; replaces threonine 3332 with alanine.
Molecular consequence: missense variant.
Genome position (GRCh38, 1-based): chr7:82,950,594, T>C on the plus strand (A>G on the coding strand, the complement: PCLO is on the minus strand). VCF-style: chr7-82950594-T-C. GRCh37 (hg19) VCF-style: chr7-82579910-T-C.
Other names: c.9994A>G, p.Thr3332Ala (NM_014510.3); short protein forms T3332A.
Identifiers: ClinVar variation 1385611 (VCV001385611.3), dbSNP rs367798601, ClinGen allele CA4319813.